The following is an entry in ClinVar:

NM_021815.5(SLC5A7):c.877G>A (p.Ala293Thr)

Gene: SLC5A7 (solute carrier family 5 member 7; plus strand). Cytogenetic location: 2q12.3.
Variant type: single nucleotide variant.
Coding change: c.877G>A on transcript NM_021815.5 (MANE Select); coding-DNA position 877, G replaced by A.
Protein change: p.Ala293Thr; replaces alanine 293 with threonine.
Molecular consequence: missense variant.
Genome position (GRCh38, 1-based): chr2:108,006,184, G>A. VCF-style: chr2-108006184-G-A. GRCh37 (hg19) VCF-style: chr2-108622640-G-A.
Other names: c.877G>A, p.Ala293Thr (NM_001305005.3); c.562G>A, p.Ala188Thr (NM_001305006.3); c.136G>A, p.Ala46Thr (NM_001305007.3); short protein forms A188T, A293T, A46T.
Identifiers: ClinVar variation 1057624 (VCV001057624.5), dbSNP rs2104373775, ClinGen allele CA348113321.
Genomic context (GRCh38, chr2:108,006,184, plus strand): 5'-CTGTCCTTCCTGGCAGCTTTCGGGTGCCTGGTGATGGCCATCCCAGCCATACTCATTGGG[G>A]CCATTGGAGCATCAACAGGTAAATCTCTTGCAGCTTCACCACATGTGCCAGTTAGTTTAC-3'
Protein context (NP_068587.1, residues 283-303): VMAIPAILIG[Ala293Thr]IGASTDWNQT

ClinVar aggregate classification (germline): Uncertain significance (1 of 4 stars; one submission).

Conditions:
Congenital myasthenic syndrome 20. Also called: Myasthenic syndrome, congenital, 20, presynaptic. Identifiers: MedGen C4310694, MONDO:0014939, OMIM 617143.
Neuronopathy, distal hereditary motor, type 7A. Also called: SPINAL MUSCULAR ATROPHY, DISTAL, WITH VOCAL CORD PARALYSIS; Neuronopathy, distal hereditary motor, type viia; NEURONOPATHY, DISTAL HEREDITARY MOTOR, HARDING TYPE VIIA; NEUROPATHY, DISTAL HEREDITARY MOTOR, HARDING TYPE VIIA; Neuronopathy, distal hereditary motor, autosomal dominant 7; HARPER-YOUNG MYOPATHY. Identifiers: Orphanet 139589, MedGen C1834703, MONDO:0008024, OMIM 158580.

Submission:

Labcorp Genetics (formerly Invitae), Labcorp
Classification: Uncertain significance for Neuronopathy, distal hereditary motor, type 7A; Congenital myasthenic syndrome 20. Last evaluated: 2020-09-24. Review status: criteria provided, single submitter. Criteria: Invitae Variant Classification Sherloc (09022015). Collection method: clinical testing. Allele origin: germline.
Comment: This sequence change replaces alanine with threonine at codon 293 of the SLC5A7 protein (p.Ala293Thr). The alanine residue is highly conserved and there is a small physicochemical difference between alanine and threonine. This variant is not present in population databases (ExAC no frequency). This variant has not been reported in the literature in individuals with SLC5A7-related conditions. Algorithms developed to predict the effect of missense changes on protein structure and function (SIFT, PolyPhen-2, Align-GVGD) all suggest that this variant is likely to be disruptive, but these predictions have not been confirmed by published functional studies and their clinical significance is uncertain. In summary, the available evidence is currently insufficient to determine the role of this variant in disease. Therefore, it has been classified as a Variant of Uncertain Significance.